The following is an entry in ClinVar:

NM_005228.5(EGFR):c.1467A>T (p.Lys489Asn)

Gene: EGFR (epidermal growth factor receptor; plus strand). Cytogenetic location: 7p11.2.
Variant type: single nucleotide variant.
Coding change: c.1467A>T on transcript NM_005228.5 (MANE Select); coding-DNA position 1467, A replaced by T.
Protein change: p.Lys489Asn; replaces lysine 489 with asparagine.
Molecular consequence: missense variant.
Genome position (GRCh38, 1-based): chr7:55,160,307, A>T. VCF-style: chr7-55160307-A-T. GRCh37 (hg19) VCF-style: chr7-55228000-A-T.
Other names: c.1332A>T, p.Lys444Asn (NM_001346897.2, NM_001346899.2); c.1467A>T, p.Lys489Asn (NM_001346898.2, NM_201282.2, NM_201284.2); c.1308A>T, p.Lys436Asn (NM_001346900.2); c.666A>T, p.Lys222Asn (NM_001346941.2); short protein forms K222N, K489N, K436N, K444N.
Identifiers: ClinVar variation 1423386 (VCV001423386.8), dbSNP rs2128941701, ClinGen allele CA367579674.

ClinVar aggregate classification (germline): Uncertain significance (1 of 4 stars; one submission).

Conditions:
EGFR-related lung cancer (EGFR). Identifiers: MedGen CN130014.

Submission:

Labcorp Genetics (formerly Invitae), Labcorp
Classification: Uncertain significance for EGFR-related lung cancer. Last evaluated: 2020-11-15. Review status: criteria provided, single submitter. Criteria: Invitae Variant Classification Sherloc (09022015). Collection method: clinical testing. Allele origin: germline.
Comment: In summary, the available evidence is currently insufficient to determine the role of this variant in disease. Therefore, it has been classified as a Variant of Uncertain Significance. Algorithms developed to predict the effect of missense changes on protein structure and function are either unavailable or do not agree on the potential impact of this missense change (SIFT: "Tolerated"; PolyPhen-2: "Possibly Damaging"; Align-GVGD: "Class C0"). This variant has not been reported in the literature in individuals with EGFR-related conditions. This variant is not present in population databases (ExAC no frequency). This sequence change replaces lysine with asparagine at codon 489 of the EGFR protein (p.Lys489Asn). The lysine residue is moderately conserved and there is a moderate physicochemical difference between lysine and asparagine.